The following is an entry in ClinVar:

NM_005732.4(RAD50):c.970G>C (p.Asp324His)

Gene: RAD50 (RAD50 double strand break repair protein; plus strand). Cytogenetic location: 5q31.1.
Variant type: single nucleotide variant.
Coding change: c.970G>C on transcript NM_005732.4 (MANE Select); coding-DNA position 970, G replaced by C.
Protein change: p.Asp324His; replaces aspartic acid 324 with histidine.
Molecular consequence: missense variant.
Genome position (GRCh38, 1-based): chr5:132,588,008, G>C. VCF-style: chr5-132588008-G-C. GRCh37 (hg19) VCF-style: chr5-131923700-G-C.
Other names: c.970G>C (NM_005732.3); short protein forms D324H.
Identifiers: ClinVar variation 1476073 (VCV001476073.9), dbSNP rs1429798210, ClinGen allele CA360941197.

ClinVar aggregate classification (germline): Uncertain significance. Review status: criteria provided, multiple submitters, no conflicts (2 of 4 stars). 2 submissions from 2 submitters: Uncertain significance (2). Last evaluated 2024-03-28.

Conditions:
Hereditary cancer-predisposing syndrome. Also called: Neoplastic Syndromes, Hereditary; Hereditary Cancer Syndrome; Tumor predisposition; Hereditary neoplastic syndrome. Identifiers: Orphanet 140162, MedGen C0027672, MeSH D009386, MONDO:0015356.

Allele frequency attached by ClinVar (database versions not stated): gnomAD exomes below 0.00001.
gnomAD v4.1: 1 of 1,611,418 alleles (0.000062%); highest among the groups gnomAD compares: Non-Finnish European, 0.000085%; no homozygotes.

Submissions (2):

Ambry Genetics
Classification: Uncertain significance for Hereditary cancer-predisposing syndrome. Last evaluated: 2024-03-28. Review status: criteria provided, single submitter. Criteria: Ambry Variant Classification Scheme 2023. Collection method: clinical testing. Allele origin: germline.
Comment: The p.D324H variant (also known as c.970G>C), located in coding exon 7 of the RAD50 gene, results from a G to C substitution at nucleotide position 970. The aspartic acid at codon 324 is replaced by histidine, an amino acid with similar properties. This amino acid position is conserved. In addition, this alteration is predicted to be tolerated by in silico analysis. Based on the available evidence, the clinical significance of this alteration remains unclear.

Labcorp Genetics (formerly Invitae), Labcorp
Classification: Uncertain significance for Hereditary cancer-predisposing syndrome. Last evaluated: 2022-03-10. Review status: criteria provided, single submitter. Criteria: Invitae Variant Classification Sherloc (09022015). Collection method: clinical testing. Allele origin: germline.
Comment: In summary, the available evidence is currently insufficient to determine the role of this variant in disease. Therefore, it has been classified as a Variant of Uncertain Significance. Algorithms developed to predict the effect of missense changes on protein structure and function are either unavailable or do not agree on the potential impact of this missense change (SIFT: "Deleterious"; PolyPhen-2: "Possibly Damaging"; Align-GVGD: "Class C0"). This variant has not been reported in the literature in individuals affected with RAD50-related conditions. This variant is present in population databases (no rsID available, gnomAD 0.0009%). This sequence change replaces aspartic acid, which is acidic and polar, with histidine, which is basic and polar, at codon 324 of the RAD50 protein (p.Asp324His).